The following is an entry in ClinVar:

ClinVar aggregate classification (germline): Uncertain significance (1 of 4 stars; one submission).

Submission:

Labcorp Genetics (formerly Invitae), Labcorp
Classification: Uncertain significance. Last evaluated: 2025-08-18. Review status: criteria provided, single submitter. Criteria: Invitae Variant Classification Sherloc (09022015). Collection method: clinical testing. Allele origin: germline.
Comment: This sequence change replaces proline, which is neutral and non-polar, with alanine, which is neutral and non-polar, at codon 578 of the PTH1R protein (p.Pro578Ala). This variant is not present in population databases (gnomAD no frequency). This variant has not been reported in the literature in individuals affected with PTH1R-related conditions. ClinVar contains an entry for this variant (Variation ID: 3672560). An algorithm developed to predict the effect of missense changes on protein structure and function (PolyPhen-2) suggests that this variant is likely to be tolerated. In summary, the available evidence is currently insufficient to determine the role of this variant in disease. Therefore, it has been classified as a Variant of Uncertain Significance.

NM_000316.3(PTH1R):c.1732C>G (p.Pro578Ala)

Gene: PTH1R (parathyroid hormone 1 receptor; plus strand). Cytogenetic location: 3p21.31.
Variant type: single nucleotide variant.
Coding change: c.1732C>G on transcript NM_000316.3 (MANE Select); coding-DNA position 1732, C replaced by G.
Protein change: p.Pro578Ala; replaces proline 578 with alanine.
Molecular consequence: missense variant.
Genome position (GRCh38, 1-based): chr3:46,903,606, C>G. VCF-style: chr3-46903606-C-G. GRCh37 (hg19) VCF-style: chr3-46945096-C-G.
Other names: c.1732C>G, p.Pro578Ala (NM_001184744.1); short protein forms P578A.
Identifiers: ClinVar variation 3672560 (VCV003672560.2).